The following is an entry in ClinVar:

ClinVar aggregate classification (germline): Uncertain significance (1 of 4 stars; one submission).

Conditions:
Charcot-Marie-Tooth disease axonal type 2P. Also called: CHARCOT-MARIE-TOOTH NEUROPATHY, TYPE 2P; Charcot-Marie-Tooth Neuropathy Type 2G; CHARCOT-MARIE-TOOTH DISEASE, AXONAL, TYPE 2G; CMT 2G. Identifiers: Orphanet 300319, Orphanet 99941, MedGen C3280797, MONDO:0013753, OMIM 614436.

Allele frequency attached by ClinVar (database versions not stated): gnomAD 0.00001; gnomAD exomes 0.00001 and 0.00003; ExAC 0.00002; TOPMed 0.00002.
gnomAD v4.1: 50 of 1,613,934 alleles (0.0031%); highest among the groups gnomAD compares: Middle Eastern, 0.016%; no homozygotes.

Submission:

Labcorp Genetics (formerly Invitae), Labcorp
Classification: Uncertain significance for Charcot-Marie-Tooth disease axonal type 2P. Last evaluated: 2024-02-15. Review status: criteria provided, single submitter. Criteria: Invitae Variant Classification Sherloc (09022015). Collection method: clinical testing. Allele origin: germline.
Comment: This sequence change replaces arginine, which is basic and polar, with glutamine, which is neutral and polar, at codon 6 of the LRSAM1 protein (p.Arg6Gln). The frequency data for this variant in the population databases is considered unreliable, as metrics indicate poor data quality at this position in the gnomAD database. This variant has not been reported in the literature in individuals affected with LRSAM1-related conditions. ClinVar contains an entry for this variant (Variation ID: 642619). Advanced modeling of protein sequence and biophysical properties (such as structural, functional, and spatial information, amino acid conservation, physicochemical variation, residue mobility, and thermodynamic stability) has been performed at Invitae for this missense variant, however the output from this modeling did not meet the statistical confidence thresholds required to predict the impact of this variant on LRSAM1 protein function. In summary, the available evidence is currently insufficient to determine the role of this variant in disease. Therefore, it has been classified as a Variant of Uncertain Significance.

NM_001005373.4(LRSAM1):c.17G>A (p.Arg6Gln)

Gene: LRSAM1 (leucine rich repeat and sterile alpha motif containing 1; plus strand). Cytogenetic location: 9q33.3.
Variant type: single nucleotide variant.
Coding change: c.17G>A on transcript NM_001005373.4 (MANE Select); coding-DNA position 17, G replaced by A.
Protein change: p.Arg6Gln; replaces arginine 6 with glutamine.
Molecular consequence: missense variant. On other transcripts: 5 prime UTR variant (1), non-coding transcript variant (2).
Genome position (GRCh38, 1-based): chr9:127,454,544, G>A. VCF-style: chr9-127454544-G-A. GRCh37 (hg19) VCF-style: chr9-130216823-G-A.
Other names: c.17G>A, p.Arg6Gln (NM_001005374.4, NM_001190723.3, NM_001384142.1 and 2 more transcripts); c.-768G>A (NM_001384144.1); short protein forms R6Q.
Identifiers: ClinVar variation 642619 (VCV000642619.8), dbSNP rs778740625, ClinGen allele CA5246345.
Genomic context (GRCh38, chr9:127,454,544, plus strand): 5'-CCTGTGCCCCAGGGTCCTAAAGATCGCTCTGGGAAAAGGGAAGGATGCCGCTCTTCTTCC[G>A]GAAGCGGAAACCCAGTGAGGAGGCTCGGAAACGCCTGGAGTACCAGATGTGTTTGGTGAG-3'
Protein context (NP_001005373.1, residues 1-16): MPLFF[Arg6Gln]KRKPSEEARK